The following is an entry in ClinVar:

ClinVar aggregate classification (germline): Uncertain significance (1 of 4 stars; one submission).

Allele frequency attached by ClinVar (database versions not stated): gnomAD 0.00001; gnomAD exomes 0.00001 and 0.00002; TOPMed 0.00002.
gnomAD v4.1: 5 of 1,614,096 alleles (0.00031%); highest among the groups gnomAD compares: Admixed American, 0.0083%; no homozygotes.

Submission:

Labcorp Genetics (formerly Invitae), Labcorp
Classification: Uncertain significance. Last evaluated: 2020-10-05. Review status: criteria provided, single submitter. Criteria: Invitae Variant Classification Sherloc (09022015). Collection method: clinical testing. Allele origin: germline.
Comment: In summary, the available evidence is currently insufficient to determine the role of this variant in disease. Therefore, it has been classified as a Variant of Uncertain Significance. This sequence change replaces isoleucine with methionine at codon 279 of the DNASE2 protein (p.Ile279Met). The isoleucine residue is moderately conserved and there is a small physicochemical difference between isoleucine and methionine. This variant is not present in population databases (ExAC no frequency). This variant has not been reported in the literature in individuals with DNASE2-related conditions. Algorithms developed to predict the effect of missense changes on protein structure and function are either unavailable or do not agree on the potential impact of this missense change (SIFT: "Tolerated"; PolyPhen-2: "Probably Damaging"; Align-GVGD: "Class C0").

NM_001375.3(DNASE2):c.837A>G (p.Ile279Met)

Gene: DNASE2 (deoxyribonuclease 2, lysosomal; minus strand). Cytogenetic location: 19p13.13.
Variant type: single nucleotide variant.
Coding change: c.837A>G on transcript NM_001375.3 (MANE Select); coding-DNA position 837, A replaced by G.
Protein change: p.Ile279Met; replaces isoleucine 279 with methionine.
Molecular consequence: missense variant.
Genome position (GRCh38, 1-based): chr19:12,876,236, T>C on the plus strand (A>G on the coding strand, the complement: DNASE2 is on the minus strand). VCF-style: chr19-12876236-T-C. GRCh37 (hg19) VCF-style: chr19-12987050-T-C.
Other names: short protein forms I279M.
Identifiers: ClinVar variation 1002449 (VCV001002449.8), dbSNP rs1467028484, ClinGen allele CA404296764.
Genomic context (GRCh38, chr19:12,876,236, plus strand): 5'-GCACCATTTGGAGTGGTCCTCTGTGCTGTTGAAGCTTGGGCCGGCTGGTCCAGGGAAAGC[T>C]ATCTGGTTCACATTCAGAACCTGCCAGATATCCGAGCAGTTAGAGGGCAGGATGCCTACA-3'
Protein context (NP_001366.1, residues 269-289): DIWQVLNVNQ[Ile279Met]AFPGPAGPSF